The following is an entry in ClinVar:

NM_020975.6(RET):c.2224A>G (p.Thr742Ala)

Gene: RET (ret proto-oncogene; plus strand). Cytogenetic location: 10q11.21.
Variant type: single nucleotide variant.
Coding change: c.2224A>G on transcript NM_020975.6 (MANE Select); coding-DNA position 2224, A replaced by G.
Protein change: p.Thr742Ala; replaces threonine 742 with alanine.
Molecular consequence: missense variant.
Genome position (GRCh38, 1-based): chr10:43,116,671, A>G. VCF-style: chr10-43116671-A-G. GRCh37 (hg19) VCF-style: chr10-43612119-A-G.
Other names: c.1936A>G, p.Thr646Ala (NM_001406770.1, NM_001406766.1, NM_001406767.1); c.1786A>G, p.Thr596Ala (NM_001406771.1, NM_001406773.1); c.1828A>G, p.Thr610Ala (NM_001406772.1, NM_001406769.1); c.1699A>G, p.Thr567Ala (NM_001406774.1); c.1498A>G, p.Thr500Ala (NM_001406775.1, NM_001406776.1, NM_001406777.1 and 1 more transcripts); c.1327A>G, p.Thr443Ala (NM_001406779.1, NM_001406780.1, NM_001406781.1 and 1 more transcripts); c.1039A>G, p.Thr347Ala (NM_001406790.1, NM_001406788.1, NM_001406789.1); c.919A>G, p.Thr307Ala (NM_001406791.1); and 10 more; short protein forms T398A, T488A, T567A, T307A, T347A, T412A, T443A, T699A.
Identifiers: ClinVar variation 4152813 (VCV004152813.2).

ClinVar aggregate classification (germline): Uncertain significance. Review status: criteria provided, multiple submitters, no conflicts (2 of 4 stars). 2 submissions from 2 submitters: Uncertain significance (2). Last evaluated 2025-08-22.

Conditions:
Hereditary cancer-predisposing syndrome. Also called: Neoplastic Syndromes, Hereditary; Tumor predisposition; Hereditary Cancer Syndrome; Hereditary neoplastic syndrome. Identifiers: Orphanet 140162, MedGen C0027672, MeSH D009386, MONDO:0015356.
Multiple endocrine neoplasia, type 2 (MEN2). Identifiers: Orphanet 653, MedGen C4048306, MONDO:0019003. Disease mechanism: gain of function.

gnomAD v4.1: 6 of 1,613,418 alleles (0.00037%); highest among the groups gnomAD compares: South Asian, 0.0033%; no homozygotes.

Submissions (2):

Ambry Genetics
Classification: Uncertain significance for Hereditary cancer-predisposing syndrome. Last evaluated: 2025-08-22. Review status: criteria provided, single submitter. Criteria: Ambry Variant Classification Scheme 2023. Collection method: clinical testing. Allele origin: germline.
Comment: The p.T742A variant (also known as c.2224A>G), located in coding exon 12 of the RET gene, results from an A to G substitution at nucleotide position 2224. The threonine at codon 742 is replaced by alanine, an amino acid with similar properties. This amino acid position is conserved. In addition, this alteration is predicted to be deleterious by in silico analysis. Based on the available evidence, the clinical significance of this variant remains unclear.

Labcorp Genetics (formerly Invitae), Labcorp
Classification: Uncertain significance for Multiple endocrine neoplasia, type 2. Last evaluated: 2025-07-15. Review status: criteria provided, single submitter. Criteria: Invitae Variant Classification Sherloc (09022015). Collection method: clinical testing. Allele origin: germline.
Comment: This sequence change replaces threonine, which is neutral and polar, with alanine, which is neutral and non-polar, at codon 742 of the RET protein (p.Thr742Ala). This variant is present in population databases (rs552131086, gnomAD 0.006%). This variant has not been reported in the literature in individuals affected with RET-related conditions. An algorithm developed to predict the effect of missense changes on protein structure and function (PolyPhen-2) suggests that this variant is likely to be disruptive. In summary, the available evidence is currently insufficient to determine the role of this variant in disease. Therefore, it has been classified as a Variant of Uncertain Significance.